The following is an entry in ClinVar:

ClinVar aggregate classification (germline): Benign/Likely benign. Review status: criteria provided, multiple submitters, no conflicts (2 of 4 stars). 7 submissions from 7 submitters: Benign (6); Likely benign (1). Last evaluated 2026-02-04.

Conditions:
Wagner disease. Also called: WAGNER SYNDROME 1; Wagner syndrome; WAGNER VITREORETINOPATHY; Wagner Vitreoretinal Degeneration (Wagner Synrdome); HYALOIDEORETINAL DEGENERATION OF WAGNER; WAGNER VITREORETINAL DEGENERATION. Identifiers: Orphanet 898, MedGen C1840452, MONDO:0007740, OMIM 143200.
Vitreoretinopathy. Also called: Vitreoretinal degeneration. Identifiers: MedGen C0344290, MONDO:0020248, HP:0007773.

Allele frequency attached by ClinVar (database versions not stated): gnomAD exomes 0.61660 and 0.64264; ExAC 0.64776; ESP Exome Variant Server 0.67207; TOPMed 0.67364; gnomAD 0.67612 and 0.67722; 1000 Genomes Project 30x 0.71143.
gnomAD v4.1: 1,005,257 of 1,613,732 alleles (62%); highest among the groups gnomAD compares: African/African-American, 81%; 315,623 homozygotes.

Submissions (7):

Labcorp Genetics (formerly Invitae), Labcorp
Classification: Benign. Last evaluated: 2026-02-04. Review status: criteria provided, single submitter. Criteria: Invitae Variant Classification Sherloc (09022015). Collection method: clinical testing. Allele origin: germline.

Blueprint Genetics
Classification: Likely benign. Last evaluated: 2024-11-27. Review status: criteria provided, single submitter. Criteria: ACMG Guidelines, 2015. Collection method: clinical testing. Allele origin: germline.

Genome-Nilou Lab
Classification: Benign for Wagner disease. Last evaluated: 2021-12-05. Review status: criteria provided, single submitter. Criteria: ACMG Guidelines, 2015. Collection method: clinical testing. Allele origin: germline. Affected: no.

GeneDx
Classification: Benign. Last evaluated: 2021-05-05. Review status: criteria provided, single submitter. Criteria: GeneDx Variant Classification Process June 2021. Collection method: clinical testing. Allele origin: germline. Affected: yes.

Illumina Laboratory Services, Illumina
Classification: Benign for Vitreoretinopathy. Last evaluated: 2018-01-13. Review status: criteria provided, single submitter. Criteria: ICSL Variant Classification Criteria 13 December 2019. Collection method: clinical testing. Allele origin: germline.
Comment: This variant was observed in the ICSL laboratory as part of a predisposition screen in an ostensibly healthy population. It had not been previously curated by ICSL or reported in the Human Gene Mutation Database (HGMD: prior to June 1st, 2018), and was therefore a candidate for classification through an automated scoring system. Utilizing variant allele frequency, disease prevalence and penetrance estimates, and inheritance mode, an automated score was calculated to assess if this variant is too frequent to cause the disease. Based on the score and internal cut-off values, a variant classified as benign is not then subjected to further curation. The score for this variant resulted in a classification of benign for this disease.

Eurofins Ntd Llc (ga)
Classification: Benign. Last evaluated: 2014-06-08. Review status: criteria provided, single submitter. Criteria: EGL Classification Definitions 2015. Collection method: clinical testing. Allele origin: germline. Observed: 2 variant alleles, 1 heterozygote, 1 homozygote.

PreventionGenetics, part of Exact Sciences
Classification: Benign. Review status: criteria provided, single submitter. Criteria: ACMG Guidelines, 2015. Collection method: clinical testing. Allele origin: germline.

NM_004385.5(VCAN):c.4323G>A (p.Gln1441=)

Genes: VCAN (versican; plus strand), VCAN-AS1 (VCAN antisense RNA 1; minus strand). Cytogenetic location: 5q14.3.
Variant type: single nucleotide variant.
Coding change: c.4323G>A on transcript NM_004385.5 (MANE Select); coding-DNA position 4323, G replaced by A.
Protein change: p.Gln1441=; no amino-acid change (glutamine 1441 retained).
Molecular consequence: synonymous variant. On other transcripts: intron variant (2).
Genome position (GRCh38, 1-based): chr5:83,537,326, G>A. VCF-style: chr5-83537326-G-A. GRCh37 (hg19) VCF-style: chr5-82833145-G-A.
Other names: c.1362G>A, p.Gln454= (NM_001164097.2); c.4004-8211G>A (NM_001164098.2); c.1043-8211G>A (NM_001126336.3).
Identifiers: ClinVar variation 198803 (VCV000198803.23), dbSNP rs2548541, ClinGen allele CA203620.
Genomic context (GRCh38, chr5:83,537,326, plus strand): 5'-CAAGGACCCAGAAGCTGCAGAAGCTAGGCGTGGCCAGTTTGAAAGTGTTGCACCTTCTCA[G>A]AATTTCTCGGACAGCTCTGAAAGTGATACTCATCCATTTGTAATAGCCAAAACGGAATTG-3'
Protein context (NP_004376.2, residues 1431-1451): RGQFESVAPS[Gln1441=]NFSDSSESDT